The following is an entry in ClinVar:

NM_000038.6(APC):c.5813_5814del (p.Lys1938fs)

Gene: APC (APC regulator of Wnt signaling pathway; plus strand). Cytogenetic location: 5q22.2.
Variant type: Deletion.
Coding change: c.5813_5814del on transcript NM_000038.6 (MANE Select); coding-DNA positions 5813 to 5814, 2 bases deleted (AA; older notation c.5813_5814delAA).
Protein change: p.Lys1938fs; shifts the reading frame from lysine 1938.
Molecular consequence: frameshift variant.
Genome position (GRCh38, 1-based): chr5:112,841,407-112,841,408, AA deleted; deleting any 2 consecutive bases within chr5:112,841,406-112,841,408 gives the same sequence; the c. name uses the placement nearest the transcript's 3' end. VCF-style (leftmost placement, unchanged base first): chr5-112841405-CAA-C. GRCh37 (hg19) VCF-style: chr5-112177102-CAA-C.
Other names: c.5813_5814del, p.Lys1938fs (NM_001127510.3, NM_001354895.2); c.5759_5760del, p.Lys1920fs (NM_001127511.3); c.5867_5868del, p.Lys1956fs (NM_001354896.2); c.5843_5844del, p.Lys1948fs (NM_001354897.2); c.5738_5739del, p.Lys1913fs (NM_001354898.2); c.5729_5730del, p.Lys1910fs (NM_001354899.2); c.5690_5691del, p.Lys1897fs (NM_001354900.2); c.5636_5637del, p.Lys1879fs (NM_001354901.2); and 5 more; short protein forms K1837fs, K1879fs, K1920fs, K1956fs, K1812fs, K1847fs, K1913fs, K1938fs.
Identifiers: ClinVar variation 918445 (VCV000918445.5), dbSNP rs1766053215, ClinGen allele CA1139659021.
Genomic context (GRCh38, chr5:112,841,405, plus strand): 5'-AATAAATCGAGGTCAGCCTAAACCCATACTTCAGAAACAATCCACTTTTCCCCAGTCATC[CAA>C]AGACATACCAGACAGAGGGGCAGCAACTGATGAAAAGTTACAGAATTTTGCTATTGAAAA-3'

ClinVar aggregate classification (germline): Pathogenic. Review status: criteria provided, multiple submitters, no conflicts (2 of 4 stars). 2 submissions from 2 submitters: Pathogenic (2). Last evaluated 2024-06-17.

Conditions:
Hereditary cancer-predisposing syndrome. Also called: Neoplastic Syndromes, Hereditary; Tumor predisposition; Hereditary Cancer Syndrome; Hereditary neoplastic syndrome. Identifiers: Orphanet 140162, MedGen C0027672, MeSH D009386, MONDO:0015356.
Familial adenomatous polyposis 1 (FAP1). Also called: FAMILIAL ADENOMATOUS POLYPOSIS 1, ATTENUATED; POLYPOSIS, ADENOMATOUS INTESTINAL. Identifiers: MedGen C2713442, MONDO:0021056, OMIM 175100. Disease mechanism: loss of function.

Submissions (2):

Labcorp Genetics (formerly Invitae), Labcorp
Classification: Pathogenic for Familial adenomatous polyposis 1. Last evaluated: 2024-06-17. Review status: criteria provided, single submitter. Criteria: Invitae Variant Classification Sherloc (09022015). Collection method: clinical testing. Allele origin: germline.
Comment: This sequence change creates a premature translational stop signal (p.Lys1938Argfs*10) in the APC gene. While this is not anticipated to result in nonsense mediated decay, it is expected to disrupt the last 906 amino acid(s) of the APC protein. This variant is not present in population databases (gnomAD no frequency). This variant has not been reported in the literature in individuals affected with APC-related conditions. ClinVar contains an entry for this variant (Variation ID: 918445). A different truncation (p.Tyr2645Lysfs*14) that lies downstream of this variant has been determined to be pathogenic (PMID: 9824584, 1316610, 27081525, 8381579, 22135120, Invitae). This suggests that deletion of this region of the APC protein is causative of disease. This variant is expected to disrupt the EB1 and HDLG binding sites, which mediate interactions with the cytoskeleton (PMID: 15311282, 17293347). While functional studies have not been performed to directly test the effect on APC protein function, this suggests that disruption of the C-terminal portion of the protein is functionally important. For these reasons, this variant has been classified as Pathogenic.

Color Diagnostics, LLC DBA Color Health
Classification: Pathogenic for Hereditary cancer-predisposing syndrome. Last evaluated: 2019-11-25. Review status: criteria provided, single submitter. Criteria: ACMG Guidelines, 2015. Collection method: clinical testing. Allele origin: germline.
Comment: This variant deletes 2 nucleotides in exon 16 of the APC gene, creating a frameshift and premature translation stop signal. This variant is not expected to trigger nonsense-mediated decay. However, this variant protein deletes several important functional domains (PMID: 17881494), and it is expected to result in an absent or non-functional protein product. There are multiple frameshift and truncation variants C-terminal to codon 1938 that are reported as disease-causing in ClinVar (variation ID: 566205, 428098, 219743, 470023, 419580, 537536). Splice site prediction tools suggest that this variant may not impact RNA splicing. To our knowledge, functional studies have not been performed for this variant. This variant has not been reported in individuals affected with hereditary cancer in the literature. This variant has not been identified in the general population by the Genome Aggregation Database (gnomAD). Based on the available evidence, this variant is classified as Pathogenic.

Literature cited by the submitters: PubMed 9824584 (cited by Labcorp Genetics (formerly Invitae), Labcorp); PubMed 1316610 (cited by Labcorp Genetics (formerly Invitae), Labcorp); PubMed 27081525 (cited by Labcorp Genetics (formerly Invitae), Labcorp); PubMed 8381579 (cited by Labcorp Genetics (formerly Invitae), Labcorp); PubMed 22135120 (cited by Labcorp Genetics (formerly Invitae), Labcorp); PubMed 15311282 (cited by Labcorp Genetics (formerly Invitae), Labcorp); PubMed 17293347 (cited by Labcorp Genetics (formerly Invitae), Labcorp).